The following is an entry in ClinVar:

ClinVar aggregate classification (germline): Benign (1 of 4 stars; one submission).

Conditions:
Multiple endocrine neoplasia, type 1 (MEN1). Also called: MEN I; WERMER SYNDROME; Endocrine adenomatosis multiple; MEN 1; MEA I. Identifiers: Orphanet 652, MedGen C0025267, MeSH D018761, MONDO:0007540, OMIM 131100.

Submission:

Myriad Genetics, Inc.
Classification: Benign for Multiple endocrine neoplasia, type 1. Last evaluated: 2024-11-05. Review status: criteria provided, single submitter. Criteria: Myriad Autosomal Dominant, Autosomal Recessive and X-Linked Classification Criteria (2023). Collection method: clinical testing. Allele origin: unknown.
Comment: This variant is considered benign. This variant is a silent/synonymous amino acid change and it is not expected to impact splicing.

NM_001370259.2(MEN1):c.1695G>A (p.Leu565=)

Gene: MEN1 (menin 1; minus strand). Cytogenetic location: 11q13.1.
Variant type: single nucleotide variant.
Coding change: c.1695G>A on transcript NM_001370259.2 (MANE Select); coding-DNA position 1695, G replaced by A.
Protein change: p.Leu565=; no amino-acid change (leucine 565 retained).
Molecular consequence: synonymous variant. On other transcripts: non-coding transcript variant (4).
Genome position (GRCh38, 1-based): chr11:64,804,472, C>T on the plus strand (G>A on the coding strand, the complement: MEN1 is on the minus strand). VCF-style: chr11-64804472-C-T. GRCh37 (hg19) VCF-style: chr11-64571944-C-T.
Other names: c.1710G>A, p.Leu570= (NM_000244.4, NM_001407145.1, NM_130800.3 and 4 more transcripts); c.1821G>A, p.Leu607= (NM_001370251.2, NM_001407142.1, NM_001407143.1 and 1 more transcripts); c.1695G>A, p.Leu565= (NM_001370260.2, NM_001370261.2, NM_001407146.1 and 2 more transcripts); c.1590G>A, p.Leu530= (NM_001370262.2, NM_001370263.2, NM_001407148.1 and 1 more transcripts); c.1836G>A, p.Leu612= (NM_001407150.1); c.1716G>A, p.Leu572= (NM_001407151.1); c.1530G>A, p.Leu510= (NM_001407152.1).
Identifiers: ClinVar variation 3773393 (VCV003773393.1).